The following is an entry in ClinVar:

ClinVar aggregate classification (germline): Pathogenic. Review status: criteria provided, multiple submitters, no conflicts (2 of 4 stars). 2 submissions from 2 submitters: Pathogenic (2). Last evaluated 2025-06-11.

Conditions:
Duchenne muscular dystrophy (DMD). Also called: MUSCULAR DYSTROPHY, PSEUDOHYPERTROPHIC PROGRESSIVE, DUCHENNE TYPE; Duchenne Muscular Dystrophy (DMD). Identifiers: Orphanet 98896, MedGen C0013264, MONDO:0010679, OMIM 310200.

Submissions (2):

Labcorp Genetics (formerly Invitae), Labcorp
Classification: Pathogenic for Duchenne muscular dystrophy. Last evaluated: 2025-06-11. Review status: criteria provided, single submitter. Criteria: Invitae Variant Classification Sherloc (09022015). Collection method: clinical testing. Allele origin: germline.
Comment: This sequence change creates a premature translational stop signal (p.Gln189*) in the DMD gene. It is expected to result in an absent or disrupted protein product. Loss-of-function variants in DMD are known to be pathogenic (PMID: 16770791, 25007885). This variant is not present in population databases (gnomAD no frequency). This premature translational stop signal has been observed in individual(s) with Duchenne muscular dystrophy (PMID: 11524473). ClinVar contains an entry for this variant (Variation ID: 198501). For these reasons, this variant has been classified as Pathogenic.

Eurofins Ntd Llc (ga)
Classification: Pathogenic. Last evaluated: 2018-04-27. Review status: criteria provided, single submitter. Criteria: EGL ClinVar v180209 classification definitions. Collection method: clinical testing. Allele origin: germline. Observed: 2 variant alleles, 2 hemizygotes.

Literature cited by the submitters: PubMed 16770791 (cited by Labcorp Genetics (formerly Invitae), Labcorp); PubMed 25007885 (cited by Labcorp Genetics (formerly Invitae), Labcorp); PubMed 11524473 (cited by Labcorp Genetics (formerly Invitae), Labcorp).

NM_004006.3(DMD):c.565C>T (p.Gln189Ter)

Gene: DMD (dystrophin; minus strand). Cytogenetic location: Xp21.1.
Variant type: single nucleotide variant.
Coding change: c.565C>T on transcript NM_004006.3 (MANE Select); coding-DNA position 565, C replaced by T.
Protein change: p.Gln189Ter; replaces glutamine 189 with a stop codon.
Molecular consequence: nonsense.
Genome position (GRCh38, 1-based): chrX:32,809,577, G>A on the plus strand (C>T on the coding strand, the complement: DMD is on the minus strand). VCF-style: chrX-32809577-G-A. GRCh37 (hg19) VCF-style: chrX-32827694-G-A.
Other names: c.541C>T, p.Gln181Ter (NM_000109.4); c.553C>T, p.Gln185Ter (NM_004009.3); c.196C>T, p.Gln66Ter (NM_004010.3); short protein forms Q189*, Q181*, Q185*, Q66*.
Identifiers: ClinVar variation 198501 (VCV000198501.8), dbSNP rs794727861, ClinGen allele CA275401.